The following is an entry in ClinVar:

ClinVar aggregate classification (germline): Uncertain significance (1 of 4 stars; one submission).

Conditions:
Mitochondrial complex II deficiency, nuclear type 1. Also called: SUCCINATE CoQ REDUCTASE DEFICIENCY. Identifiers: Orphanet 3208, MedGen C5700310, MONDO:0100294, OMIM 252011.
Pheochromocytoma/paraganglioma syndrome 5. Also called: Paragangliomas 5; SDHA-Related Hereditary Paraganglioma-Pheochromocytoma Syndrome. Identifiers: Orphanet 29072, MedGen C3279992, MONDO:0013602, OMIM 614165.

Submission:

Labcorp Genetics (formerly Invitae), Labcorp
Classification: Uncertain significance for Pheochromocytoma/paraganglioma syndrome 5; Mitochondrial complex II deficiency, nuclear type 1. Last evaluated: 2020-03-22. Review status: criteria provided, single submitter. Criteria: Invitae Variant Classification Sherloc (09022015). Collection method: clinical testing. Allele origin: germline.
Comment: This sequence change replaces methionine with isoleucine at codon 410 of the SDHA protein (p.Met410Ile). The methionine residue is highly conserved and there is a small physicochemical difference between methionine and isoleucine. This variant is not present in population databases (ExAC no frequency). This variant has not been reported in the literature in individuals with SDHA-related conditions. Algorithms developed to predict the effect of missense changes on protein structure and function are either unavailable or do not agree on the potential impact of this missense change (SIFT: "Deleterious"; PolyPhen-2: "Probably Damaging"; Align-GVGD: "Class C0"). In summary, the available evidence is currently insufficient to determine the role of this variant in disease. Therefore, it has been classified as a Variant of Uncertain Significance.

NM_004168.4(SDHA):c.1230G>C (p.Met410Ile)

Gene: SDHA (succinate dehydrogenase complex flavoprotein subunit A; plus strand). Cytogenetic location: 5p15.33.
Variant type: single nucleotide variant.
Coding change: c.1230G>C on transcript NM_004168.4 (MANE Select); coding-DNA position 1230, G replaced by C.
Protein change: p.Met410Ile; replaces methionine 410 with isoleucine.
Molecular consequence: missense variant.
Genome position (GRCh38, 1-based): chr5:235,309, G>C. VCF-style: chr5-235309-G-C. GRCh37 (hg19) VCF-style: chr5-235424-G-C.
Other names: c.1086G>C, p.Met362Ile (NM_001294332.2); c.1230G>C, p.Met410Ile (NM_001330758.2); short protein forms M362I, M410I.
Identifiers: ClinVar variation 1024789 (VCV001024789.9), dbSNP rs1735707028, ClinGen allele CA359013718.